The following is an entry in ClinVar:

ClinVar aggregate classification (germline): Uncertain significance (1 of 4 stars; one submission).

Conditions:
Charcot-Marie-Tooth disease axonal type 2O. Also called: CHARCOT-MARIE-TOOTH NEUROPATHY, AXONAL, TYPE 2O; CHARCOT-MARIE-TOOTH DISEASE, AXONAL, AUTOSOMAL DOMINANT, TYPE 2O; Charcot-Marie-Tooth Neuropathy Type 2O; Charcot-Marie-Tooth disease, axonal, type 20. Identifiers: Orphanet 284232, MedGen C3280220, MONDO:0013644, OMIM 614228.

gnomAD v4.1: 2 of 1,614,256 alleles (0.00012%); highest among the groups gnomAD compares: Non-Finnish European, 0.00017%; no homozygotes.

Submission:

Labcorp Genetics (formerly Invitae), Labcorp
Classification: Uncertain significance for Charcot-Marie-Tooth disease axonal type 2O. Last evaluated: 2024-08-17. Review status: criteria provided, single submitter. Criteria: Invitae Variant Classification Sherloc (09022015). Collection method: clinical testing. Allele origin: germline.
Comment: This sequence change replaces asparagine, which is neutral and polar, with serine, which is neutral and polar, at codon 2430 of the DYNC1H1 protein (p.Asn2430Ser). This variant is not present in population databases (gnomAD no frequency). This variant has not been reported in the literature in individuals affected with DYNC1H1-related conditions. ClinVar contains an entry for this variant (Variation ID: 1061179). Invitae Evidence Modeling of protein sequence and biophysical properties (such as structural, functional, and spatial information, amino acid conservation, physicochemical variation, residue mobility, and thermodynamic stability) indicates that this missense variant is not expected to disrupt DYNC1H1 protein function with a negative predictive value of 95%. In summary, the available evidence is currently insufficient to determine the role of this variant in disease. Therefore, it has been classified as a Variant of Uncertain Significance.

NM_001376.5(DYNC1H1):c.7289A>G (p.Asn2430Ser)

Gene: DYNC1H1 (dynein cytoplasmic 1 heavy chain 1; plus strand). Cytogenetic location: 14q32.31.
Variant type: single nucleotide variant.
Coding change: c.7289A>G on transcript NM_001376.5 (MANE Select); coding-DNA position 7289, A replaced by G.
Protein change: p.Asn2430Ser; replaces asparagine 2430 with serine.
Molecular consequence: missense variant.
Genome position (GRCh38, 1-based): chr14:102,015,902, A>G. VCF-style: chr14-102015902-A-G. GRCh37 (hg19) VCF-style: chr14-102482239-A-G.
Other names: short protein forms N2430S.
Identifiers: ClinVar variation 1061179 (VCV001061179.9), dbSNP rs2152581954, ClinGen allele CA391001805.